The following is an entry in ClinVar:

ClinVar aggregate classification (germline): Benign. Review status: criteria provided, multiple submitters, no conflicts (2 of 4 stars). 6 submissions from 6 submitters: Benign (5). 1 of the submissions does not count toward it. Last evaluated 2026-02-03.

Conditions:
ANKS6-related disorder. Also called: ANKS6-related condition.
Nephronophthisis 16 (NPHP16). Identifiers: Orphanet 655, MedGen C3809320, MONDO:0014158, OMIM 615382.

Allele frequency attached by ClinVar (database versions not stated): 1000 Genomes Project 30x 0.26062; 1000 Genomes Project 0.26597; TOPMed 0.26951; gnomAD 0.27756 and 0.28216; gnomAD exomes 0.33423 and 0.43791; ExAC 0.69231.
gnomAD v4.1: 395,633 of 1,209,356 alleles (33%); highest among the groups gnomAD compares: East Asian, 42%; 66,736 homozygotes.

Submissions (6):

Labcorp Genetics (formerly Invitae), Labcorp
Classification: Benign for Nephronophthisis 16. Last evaluated: 2026-02-03. Review status: criteria provided, single submitter. Criteria: Invitae Variant Classification Sherloc (09022015). Collection method: clinical testing. Allele origin: germline.

Blueprint Genetics
Classification: Benign. Last evaluated: 2024-11-27. Review status: criteria provided, single submitter. Criteria: ACMG Guidelines, 2015. Collection method: clinical testing. Allele origin: germline.

Mayo Clinic Laboratories, Mayo Clinic
Classification: Benign. Last evaluated: 2022-03-09. Review status: criteria provided, single submitter. Criteria: ACMG Guidelines, 2015. Collection method: clinical testing. Allele origin: germline. Observed: 80 variant alleles.

GeneDx
Classification: Benign. Last evaluated: 2018-11-10. Review status: criteria provided, single submitter. Criteria: GeneDx Variant Classification Process June 2021. Collection method: clinical testing. Allele origin: germline. Affected: yes.

Breakthrough Genomics
Classification: Benign. Review status: criteria provided, single submitter. Criteria: ACMG Guidelines, 2015. Collection method: not provided. Allele origin: germline. Inheritance: Autosomal recessive inheritance. Affected: yes.

PreventionGenetics, part of Exact Sciences
Classification: Benign for ANKS6-related condition. Last evaluated: 2022-09-26. Review status: no assertion criteria provided. Collection method: clinical testing. Allele origin: germline. Not counted in ClinVar's aggregate classification.
Comment: This variant is classified as benign based on ACMG/AMP sequence variant interpretation guidelines (Richards et al. 2015 PMID: 25741868, with internal and published modifications).

NM_173551.5(ANKS6):c.165C>T (p.Ala55=)

Gene: ANKS6 (ankyrin repeat and sterile alpha motif domain containing 6; minus strand). Cytogenetic location: 9q22.33.
Variant type: single nucleotide variant.
Coding change: c.165C>T on transcript NM_173551.5 (MANE Select); coding-DNA position 165, C replaced by T.
Protein change: p.Ala55=; no amino-acid change (alanine 55 retained).
Molecular consequence: synonymous variant.
Genome position (GRCh38, 1-based): chr9:98,796,327, G>A on the plus strand (C>T on the coding strand, the complement: ANKS6 is on the minus strand). VCF-style: chr9-98796327-G-A. GRCh37 (hg19) VCF-style: chr9-101558609-G-A.
Other names: p.Ala55=; c.165C>T (NM_173551.4).
Identifiers: ClinVar variation 262843 (VCV000262843.16), dbSNP rs138948716, ClinGen allele CA5153887.